The following is an entry in ClinVar:

NM_004385.5(VCAN):c.7759T>A (p.Tyr2587Asn)

Genes: VCAN (versican; plus strand), VCAN-AS1 (VCAN antisense RNA 1; minus strand). Cytogenetic location: 5q14.3.
Variant type: single nucleotide variant.
Coding change: c.7759T>A on transcript NM_004385.5 (MANE Select); coding-DNA position 7759, T replaced by A.
Protein change: p.Tyr2587Asn; replaces tyrosine 2587 with asparagine.
Molecular consequence: missense variant. On other transcripts: intron variant (2).
Genome position (GRCh38, 1-based): chr5:83,540,762, T>A. VCF-style: chr5-83540762-T-A. GRCh37 (hg19) VCF-style: chr5-82836581-T-A.
Other names: c.4798T>A, p.Tyr1600Asn (NM_001164097.2); c.4004-4775T>A (NM_001164098.2); c.1043-4775T>A (NM_001126336.3); short protein forms Y1600N, Y2587N.
Identifiers: ClinVar variation 1715604 (VCV001715604.5), dbSNP rs1746940665, ClinGen allele CA360315440.

ClinVar aggregate classification (germline): Uncertain significance (1 of 4 stars; one submission).

Submission:

Labcorp Genetics (formerly Invitae), Labcorp
Classification: Uncertain significance. Last evaluated: 2022-09-07. Review status: criteria provided, single submitter. Criteria: Invitae Variant Classification Sherloc (09022015). Collection method: clinical testing. Allele origin: germline.
Comment: In summary, the available evidence is currently insufficient to determine the role of this variant in disease. Therefore, it has been classified as a Variant of Uncertain Significance. Algorithms developed to predict the effect of missense changes on protein structure and function (SIFT, PolyPhen-2, Align-GVGD) all suggest that this variant is likely to be disruptive. This variant has not been reported in the literature in individuals affected with VCAN-related conditions. This variant is not present in population databases (gnomAD no frequency). This sequence change replaces tyrosine, which is neutral and polar, with asparagine, which is neutral and polar, at codon 2587 of the VCAN protein (p.Tyr2587Asn).